The following is an entry in ClinVar:

NM_017617.5(NOTCH1):c.4790G>T (p.Ser1597Ile)

Gene: NOTCH1 (notch receptor 1; minus strand). Cytogenetic location: 9q34.3.
Variant type: single nucleotide variant.
Coding change: c.4790G>T on transcript NM_017617.5 (MANE Select); coding-DNA position 4790, G replaced by T.
Protein change: p.Ser1597Ile; replaces serine 1597 with isoleucine.
Molecular consequence: missense variant.
Genome position (GRCh38, 1-based): chr9:136,504,901, C>A on the plus strand (G>T on the coding strand, the complement: NOTCH1 is on the minus strand). VCF-style: chr9-136504901-C-A. GRCh37 (hg19) VCF-style: chr9-139399353-C-A.
Other names: c.4790G>T, p.Ser1597Ile (LRG_1122t1); short protein forms S1597I.
Identifiers: ClinVar variation 569730 (VCV000569730.8), dbSNP rs1564190486, ClinGen allele CA375644984.

ClinVar aggregate classification (germline): Uncertain significance (1 of 4 stars; one submission).

Conditions:
Adams-Oliver syndrome 5 (AOS5). Identifiers: Orphanet 974, MedGen C4014970, MONDO:0014459, OMIM 616028.

Submission:

Labcorp Genetics (formerly Invitae), Labcorp
Classification: Uncertain significance for Adams-Oliver syndrome 5. Last evaluated: 2018-06-20. Review status: criteria provided, single submitter. Criteria: Invitae Variant Classification Sherloc (09022015). Collection method: clinical testing. Allele origin: germline.
Comment: In summary, the available evidence is currently insufficient to determine the role of this variant in disease. Therefore, it has been classified as a Variant of Uncertain Significance. Algorithms developed to predict the effect of missense changes on protein structure and function (SIFT, PolyPhen-2, Align-GVGD) all suggest that this variant is likely to be disruptive, but these predictions have not been confirmed by published functional studies and their clinical significance is uncertain. This variant has not been reported in the literature in individuals with NOTCH1-related disease. This variant is not present in population databases (ExAC no frequency). This sequence change replaces serine with isoleucine at codon 1597 of the NOTCH1 protein (p.Ser1597Ile). The serine residue is highly conserved and there is a large physicochemical difference between serine and isoleucine.